The following is an entry in ClinVar:

NM_006514.4(SCN10A):c.2285G>A (p.Arg762His)

Gene: SCN10A (sodium voltage-gated channel alpha subunit 10; minus strand). Cytogenetic location: 3p22.2.
Variant type: single nucleotide variant.
Coding change: c.2285G>A on transcript NM_006514.4 (MANE Select); coding-DNA position 2285, G replaced by A.
Protein change: p.Arg762His; replaces arginine 762 with histidine.
Molecular consequence: missense variant.
Genome position (GRCh38, 1-based): chr3:38,728,897, C>T on the plus strand (G>A on the coding strand, the complement: SCN10A is on the minus strand). VCF-style: chr3-38728897-C-T. GRCh37 (hg19) VCF-style: chr3-38770388-C-T.
Other names: c.2285G>A, p.Arg762His (NM_001293306.2); c.1991G>A, p.Arg664His (NM_001293307.2); c.2285G>A (NM_006514.2); short protein forms R762H, R664H.
Identifiers: ClinVar variation 579887 (VCV000579887.12), dbSNP rs778131235, ClinGen allele CA2320575.

ClinVar aggregate classification (germline): Uncertain significance. Review status: criteria provided, multiple submitters, no conflicts (2 of 4 stars). 5 submissions from 5 submitters: Uncertain significance (5). Last evaluated 2026-04-03.

Conditions:
Brugada syndrome. Also called: Sudden unexpected nocturnal death syndrome; Sudden unexplained nocturnal death syndrome; Sudden Unexplained Death Syndrome; Sudden Unexplained Nocturnal Death Syndrome (SUNDS). Identifiers: Orphanet 130, MedGen C1142166, MONDO:0015263.
SCN10A-related disorder. Also called: SCN10A-related condition.
Cardiovascular phenotype. Identifiers: MedGen CN230736.

Allele frequency attached by ClinVar (database versions not stated): ExAC 0.00001; gnomAD exomes 0.00001 and 0.00002; gnomAD 0.00003 and 0.00004; TOPMed 0.00004.
gnomAD v4.1: 30 of 1,604,808 alleles (0.0019%); highest among the groups gnomAD compares: East Asian, 0.02%; no homozygotes.

Submissions (5):

Dasa
Classification: Uncertain significance. Last evaluated: 2026-04-03. Review status: criteria provided, single submitter. Criteria: DASA Assertion Criteria. Collection method: clinical testing. Allele origin: germline.
Comment: NM_006514.4(SCN10A):c.2285G>A (p.Arg762His) is a missense variant that results in the substitution of arginine with histidine. This variant is rare in population databases. Computational prediction algorithms are consistent with a deleterious effect. The currently available literature and clinical evidence are not sufficient to establish a definitive association between this variant and the reported condition. Therefore, this variant is classified as a variant of uncertain significance.

Labcorp Genetics (formerly Invitae), Labcorp
Classification: Uncertain significance for Brugada syndrome. Last evaluated: 2025-06-08. Review status: criteria provided, single submitter. Criteria: Invitae Variant Classification Sherloc (09022015). Collection method: clinical testing. Allele origin: germline.
Comment: This sequence change replaces arginine, which is basic and polar, with histidine, which is basic and polar, at codon 762 of the SCN10A protein (p.Arg762His). This variant is present in population databases (rs778131235, gnomAD 0.005%). This variant has not been reported in the literature in individuals affected with SCN10A-related conditions. ClinVar contains an entry for this variant (Variation ID: 579887). Invitae Evidence Modeling of protein sequence and biophysical properties (such as structural, functional, and spatial information, amino acid conservation, physicochemical variation, residue mobility, and thermodynamic stability) indicates that this missense variant is expected to disrupt SCN10A protein function with a positive predictive value of 80%. In summary, the available evidence is currently insufficient to determine the role of this variant in disease. Therefore, it has been classified as a Variant of Uncertain Significance.

PreventionGenetics, part of Exact Sciences
Classification: Uncertain significance for SCN10A-related condition. Last evaluated: 2025-01-02. Review status: criteria provided, single submitter. Criteria: ACMG Guidelines, 2015. Collection method: clinical testing. Allele origin: germline.
Comment: The SCN10A c.2285G>A variant is predicted to result in the amino acid substitution p.Arg762His. To our knowledge, this variant has not been reported in the literature. This variant is reported in 0.0050% of alleles in individuals of East Asian descent in gnomAD. At this time, the clinical significance of this variant is uncertain due to the absence of conclusive functional and genetic evidence.

Ambry Genetics
Classification: Uncertain significance for Cardiovascular phenotype. Last evaluated: 2024-07-31. Review status: criteria provided, single submitter. Criteria: Ambry Variant Classification Scheme 2023. Collection method: clinical testing. Allele origin: germline.
Comment: The p.R762H variant (also known as c.2285G>A), located in coding exon 15 of the SCN10A gene, results from a G to A substitution at nucleotide position 2285. The arginine at codon 762 is replaced by histidine, an amino acid with highly similar properties. This amino acid position is highly conserved in available vertebrate species. In addition, this alteration is predicted to be deleterious by in silico analysis. The evidence for this gene-disease relationship is limited; therefore, the clinical significance of this alteration is unclear.

GeneDx
Classification: Uncertain significance. Last evaluated: 2024-06-07. Review status: criteria provided, single submitter. Criteria: GeneDx Variant Classification Process June 2021. Collection method: clinical testing. Allele origin: germline. Affected: yes.
Comment: Not observed at significant frequency in large population cohorts (gnomAD); In silico analysis supports that this missense variant has a deleterious effect on protein structure/function; Has not been previously published as pathogenic or benign to our knowledge